The following is an entry in ClinVar:

ClinVar aggregate classification (germline): Likely benign. Review status: reviewed by expert panel (3 of 4 stars). 7 submissions from 7 submitters: Likely benign (1). 6 of the submissions do not count toward it. Last evaluated 2018-08-13.

Conditions:
PAH-related disorder. Also called: PAH-related condition.
Phenylketonuria (PKU). Also called: OLIGOPHRENIA PHENYLPYRUVICA; Phenylketonurias; FOLLING DISEASE; Phenylketonuria (PKU). Identifiers: Orphanet 716, MedGen C0031485, MONDO:0009861, OMIM 261600. Disease mechanism: loss of function.
Inborn genetic diseases. Identifiers: MedGen C0950123, MeSH D030342.

Allele frequency attached by ClinVar (database versions not stated): 1000 Genomes Project 30x 0.00297; 1000 Genomes Project 0.00300; gnomAD 0.00272 and 0.00257; ESP Exome Variant Server 0.00346; gnomAD exomes 0.00024 and 0.00062; ExAC 0.00083; TOPMed 0.00274.
gnomAD v4.1: 746 of 1,614,098 alleles (0.046%); highest among the groups gnomAD compares: African/African-American, 0.9%; 2 homozygotes.

Submissions (7):

ClinGen PAH Variant Curation Expert Panel
Classification: Likely benign for Phenylketonuria. Last evaluated: 2018-08-13. Review status: reviewed by expert panel. Criteria: ClinGen PAH ACMG Specifications v1. Collection method: curation. Allele origin: germline. Inheritance: Autosomal recessive inheritance.
Comment: PAH-specific ACMG/AMP criteria applied: BS1: > PAH specific guidelines of AF-0.0002 (0.02%); BP7: No deleterious effect predicted.. In summary this variant meets criteria to be classified as likely benign for phenylketonuria in an autosomal recessive manner based on the ACMG/AMP criteria applied as specified by the PAH Expert Panel: (BS1, BP7).

Labcorp Genetics (formerly Invitae), Labcorp
Classification: Benign for Phenylketonuria. Last evaluated: 2026-01-31. Review status: criteria provided, single submitter. Criteria: Invitae Variant Classification Sherloc (09022015). Collection method: clinical testing. Allele origin: germline. Not counted in ClinVar's aggregate classification.

Blueprint Genetics
Classification: Likely benign. Last evaluated: 2024-02-14. Review status: criteria provided, single submitter. Criteria: ACMG Guidelines, 2015. Collection method: clinical testing. Allele origin: germline. Not counted in ClinVar's aggregate classification.

Quest Diagnostics Nichols Institute San Juan Capistrano
Classification: Likely benign. Last evaluated: 2023-01-19. Review status: criteria provided, single submitter. Criteria: Quest Diagnostics criteria. Collection method: clinical testing. Allele origin: unknown. Not counted in ClinVar's aggregate classification.

Ambry Genetics
Classification: Likely benign for Inborn genetic diseases. Last evaluated: 2022-08-14. Review status: criteria provided, single submitter. Criteria: Ambry Variant Classification Scheme 2023. Collection method: clinical testing. Allele origin: germline. Not counted in ClinVar's aggregate classification.

Illumina Laboratory Services, Illumina
Classification: Uncertain significance for Phenylketonuria. Last evaluated: 2018-01-12. Review status: criteria provided, single submitter. Criteria: ICSL Variant Classification Criteria 13 December 2019. Collection method: clinical testing. Allele origin: germline. Not counted in ClinVar's aggregate classification.

PreventionGenetics, part of Exact Sciences
Classification: Benign for PAH-related condition. Last evaluated: 2020-01-15. Review status: no assertion criteria provided. Collection method: clinical testing. Allele origin: germline. Not counted in ClinVar's aggregate classification.
Comment: This variant is classified as benign based on ACMG/AMP sequence variant interpretation guidelines (Richards et al. 2015 PMID: 25741868, with internal and published modifications).

NM_000277.3(PAH):c.772C>T (p.Leu258=)

Gene: PAH (phenylalanine hydroxylase; minus strand). Cytogenetic location: 12q23.2.
Variant type: single nucleotide variant.
Coding change: c.772C>T on transcript NM_000277.3 (MANE Select); coding-DNA position 772, C replaced by T.
Protein change: p.Leu258=; no amino-acid change (leucine 258 retained).
Molecular consequence: synonymous variant.
Genome position (GRCh38, 1-based): chr12:102,852,885, G>A on the plus strand (C>T on the coding strand, the complement: PAH is on the minus strand). VCF-style: chr12-102852885-G-A. GRCh37 (hg19) VCF-style: chr12-103246663-G-A.
Other names: c.772C>T, p.Leu258= (NM_001354304.2).
Identifiers: ClinVar variation 590340 (VCV000590340.22), dbSNP rs75065106, ClinGen allele CA6748843.